The following is an entry in ClinVar:

NM_000512.5(GALNS):c.563G>A (p.Gly188Asp)

Gene: GALNS (galactosamine (N-acetyl)-6-sulfatase; minus strand). Cytogenetic location: 16q24.3.
Variant type: single nucleotide variant.
Coding change: c.563G>A on transcript NM_000512.5 (MANE Select); coding-DNA position 563, G replaced by A.
Protein change: p.Gly188Asp; replaces glycine 188 with aspartic acid.
Molecular consequence: missense variant.
Genome position (GRCh38, 1-based): chr16:88,837,625, C>T on the plus strand (G>A on the coding strand, the complement: GALNS is on the minus strand). VCF-style: chr16-88837625-C-T. GRCh37 (hg19) VCF-style: chr16-88904033-C-T.
Other names: c.8G>A, p.Gly3Asp (NM_001323543.2); c.581G>A, p.Gly194Asp (NM_001323544.2); short protein forms G188D, G194D, G3D.
Identifiers: ClinVar variation 1048407 (VCV001048407.3), dbSNP rs2143002315, ClinGen allele CA397082677.
Genomic context (GRCh38, chr16:88,837,625, plus strand): 5'-GGCACGCCGGGCACAGCAGTTCAGGACGTGGGAGGGGAAGGGGTGGGGCTCCATTACCTG[C>T]CAACCATCTCCCAGTCCCTGTACACAGGGATGTTGGGCCTGGCCTTGTTGTCATAAGGTC-3'
Protein context (NP_000503.1, residues 178-198): IPVYRDWEMV[Gly188Asp]RYYEEFPINL

ClinVar aggregate classification (germline): Uncertain significance (1 of 4 stars; one submission).

Conditions:
Mucopolysaccharidosis, MPS-IV-A (MPS4A). Also called: Mucopolysaccharidosis type IV A; Mucopolysaccharidosis Type IVA; Morquio syndrome A, mild; MORQUIO SYNDROME A; MPS IVA; mucopolysaccharidosis type 4A. Identifiers: Orphanet 309297, Orphanet 582, MedGen C0086651, MONDO:0009659, OMIM 253000.

Submission:

Laboratory of Diagnosis and Therapy of Lysosomal Disorders, University of Padova
Classification: Uncertain significance for Mucopolysaccharidosis, MPS-IV-A. Last evaluated: 2021-02-01. Review status: criteria provided, single submitter. Criteria: ACMG Guidelines, 2015. Collection method: research. Allele origin: germline. Affected: yes.
Comment: Absent from gnomAD v2.1.1 (PM2_moderate); multiple lines of computational evidence support a deleterious effect on the gene (PP3_supporting)

Literature cited by the submitters: PubMed 34387910.